The following is an entry in ClinVar:

ClinVar aggregate classification (germline): Pathogenic (1 of 4 stars; one submission).

Conditions:
Osteogenesis imperfecta type I (OI1). Also called: OI, TYPE I; OSTEOGENESIS IMPERFECTA TARDA; OSTEOGENESIS IMPERFECTA WITH BLUE SCLERAE; Osteogenesis imperfecta type 1; Classic Non-deforming Osteogenesis Imperfecta with Blue Sclerae; Lobstein's Disease. Identifiers: Orphanet 216796, Orphanet 666, MedGen C0023931, MONDO:0008146, OMIM 166200. Disease mechanism: loss of function.

Submission:

Labcorp Genetics (formerly Invitae), Labcorp
Classification: Pathogenic for Osteogenesis imperfecta type I. Last evaluated: 2021-02-23. Review status: criteria provided, single submitter. Criteria: Invitae Variant Classification Sherloc (09022015). Collection method: clinical testing. Allele origin: germline.
Comment: This sequence change replaces glycine with serine at codon 335 of the COL1A1 protein (p.Gly335Ser). The glycine residue is highly conserved and there is a small physicochemical difference between glycine and serine. This variant is not present in population databases (ExAC no frequency). This variant has been observed in individual(s) with autosomal dominant osteogenesis imperfecta (PMID: 30614853). Algorithms developed to predict the effect of missense changes on protein structure and function are either unavailable or do not agree on the potential impact of this missense change (SIFT: "Deleterious"; PolyPhen-2: "Not Available"; Align-GVGD: "Class C55"). Experimental studies have shown that this variant does not affect mRNA splicing (PMID: 31737030). This variant disrupts the triple helix domain of COL1A1. Glycine residues within the Gly-Xaa-Yaa repeats of the triple helix domain are required for the structure and stability of fibrillar collagens (PMID: 7695699, 8218237, 19344236). In COL1A1, variants affecting these glycine residues are significantly enriched in individuals with disease (PMID: 9016532, 17078022) compared to the general population (ExAC). For these reasons, this variant has been classified as Pathogenic.

Literature cited by the submitters: PubMed 30614853; PubMed 31737030; PubMed 7695699; PubMed 8218237; PubMed 19344236; PubMed 9016532; PubMed 17078022.

NM_000088.4(COL1A1):c.1003G>A (p.Gly335Ser)

Gene: COL1A1 (collagen type I alpha 1 chain; minus strand). Cytogenetic location: 17q21.33.
Variant type: single nucleotide variant.
Coding change: c.1003G>A on transcript NM_000088.4 (MANE Select); coding-DNA position 1003, G replaced by A.
Protein change: p.Gly335Ser; replaces glycine 335 with serine.
Molecular consequence: missense variant.
Genome position (GRCh38, 1-based): chr17:50,195,976, C>T on the plus strand (G>A on the coding strand, the complement: COL1A1 is on the minus strand). VCF-style: chr17-50195976-C-T. GRCh37 (hg19) VCF-style: chr17-48273337-C-T.
Other names: short protein forms G335S.
Identifiers: ClinVar variation 1074717 (VCV001074717.9), dbSNP rs2144579011, ClinGen allele CA400221101.